The following is an entry in ClinVar:

ClinVar aggregate classification (germline): Uncertain significance (1 of 4 stars; one submission).

Submission:

Labcorp Genetics (formerly Invitae), Labcorp
Classification: Uncertain significance. Last evaluated: 2022-11-01. Review status: criteria provided, single submitter. Criteria: Invitae Variant Classification Sherloc (09022015). Collection method: clinical testing. Allele origin: germline.
Comment: In summary, the available evidence is currently insufficient to determine the role of this variant in disease. Therefore, it has been classified as a Variant of Uncertain Significance. Experimental studies and prediction algorithms are not available or were not evaluated, and the functional significance of this variant is currently unknown. This variant has not been reported in the literature in individuals affected with USP9X-related conditions. This variant is not present in population databases (gnomAD no frequency). This variant, c.331_333del, results in the deletion of 1 amino acid(s) of the USP9X protein (p.Val111del), but otherwise preserves the integrity of the reading frame.

NM_001039591.3(USP9X):c.331_333del (p.Val111del)

Gene: USP9X (ubiquitin specific peptidase 9 X-linked; plus strand). Cytogenetic location: Xp11.4.
Variant type: Deletion.
Coding change: c.331_333del on transcript NM_001039591.3 (MANE Select); coding-DNA positions 331 to 333, 3 bases deleted (GTT; older notation c.331_333delGTT).
Protein change: p.Val111del; deletes valine 111.
Molecular consequence: inframe deletion. On other transcripts: inframe indel (2).
Genome position (GRCh38, 1-based): chrX:41,134,733-41,134,735, GTT deleted; deleting any 3 consecutive bases within chrX:41,134,732-41,134,735 gives the same sequence; the c. name uses the placement nearest the transcript's 3' end. VCF-style (leftmost placement, unchanged base first): chrX-41134731-ATGT-A. GRCh37 (hg19) VCF-style: chrX-40993984-ATGT-A.
Other names: c.331_333del, p.Val111del (NM_001039590.3); c.331_333delGTT, p.Val111del (NM_001410748.1, NM_001410749.1); short protein forms V111del.
Identifiers: ClinVar variation 2022489 (VCV002022489.4), dbSNP rs2519109293, ClinGen allele CA2580100985.